The following is an entry in ClinVar:

NM_006734.4(HIVEP2):c.6795C>T (p.Gly2265=)

Gene: HIVEP2 (HIVEP zinc finger 2; minus strand). Cytogenetic location: 6q24.2.
Variant type: single nucleotide variant.
Coding change: c.6795C>T on transcript NM_006734.4 (MANE Select); coding-DNA position 6795, C replaced by T.
Protein change: p.Gly2265=; no amino-acid change (glycine 2265 retained).
Molecular consequence: synonymous variant.
Genome position (GRCh38, 1-based): chr6:142,753,653, G>A on the plus strand (C>T on the coding strand, the complement: HIVEP2 is on the minus strand). VCF-style: chr6-142753653-G-A. GRCh37 (hg19) VCF-style: chr6-143074790-G-A.
Identifiers: ClinVar variation 1972676 (VCV001972676.29), dbSNP rs752787556, ClinGen allele CA4027631.

ClinVar aggregate classification (germline): Benign/Likely benign. Review status: criteria provided, multiple submitters, no conflicts (2 of 4 stars). 2 submissions from 2 submitters: Benign (1); Likely benign (1). Last evaluated 2022-08-16.

Allele frequency attached by ClinVar (database versions not stated): TOPMed below 0.00001; gnomAD 0.00001; ExAC 0.00002.
gnomAD v4.1: 36 of 1,614,010 alleles (0.0022%); highest among the groups gnomAD compares: Non-Finnish European, 0.0024%; no homozygotes.

Submissions (2):

Labcorp Genetics (formerly Invitae), Labcorp
Classification: Benign. Last evaluated: 2022-08-16. Review status: criteria provided, single submitter. Criteria: Invitae Variant Classification Sherloc (09022015). Collection method: clinical testing. Allele origin: germline.

CeGaT Center for Human Genetics Tuebingen
Classification: Likely benign. Last evaluated: 2022-03-01. Review status: criteria provided, single submitter. Criteria: CeGaT Center For Human Genetics Tuebingen Variant Classification Criteria Version 2. Collection method: clinical testing. Allele origin: germline. Affected: yes. Observed: 1 variant allele.
Comment: HIVEP2: BP4, BP7